The following is an entry in ClinVar:

ClinVar aggregate classification (germline): Pathogenic (1 of 4 stars; one submission).

Conditions:
Retinal disorder. Also called: Retinopathy; Retinopathies; Retinal Diseases; Retinal disorders. Identifiers: MedGen C0035309, MONDO:0005283, HP:0000488.

Submission:

North West Genomic Laboratory Hub, Manchester University NHS Foundation Trust
Classification: Pathogenic for Retinal disorders. Last evaluated: 2026-08-03. Review status: criteria provided, single submitter. Criteria: ACGS Best Practice Guidelines for Variant Classification in Rare Disease 2024. Collection method: clinical testing. Allele origin: germline. Affected: yes.
Comment: PVS1_VStr PM2_Mod

NM_000350.3(ABCA4):c.4725dup (p.Leu1576fs)

Genes: ABCA4 (ATP binding cassette subfamily A member 4; minus strand), LOC126805793 (CDK7 strongly-dependent group 2 enhancer GRCh37_chr1:94486302-94487501; plus strand). Cytogenetic location: 1p22.1.
Variant type: Duplication.
Coding change: c.4725dup on transcript NM_000350.3 (MANE Select); coding-DNA position 4725, one base duplicated (A; older notation c.4725dupA).
Protein change: p.Leu1576fs; shifts the reading frame from leucine 1576.
Molecular consequence: frameshift variant.
Genome position (GRCh38, 1-based): chr1:94,021,894, T duplicated on the plus strand (A on the coding strand, the reverse complement: ABCA4 is on the minus strand). VCF-style (leftmost placement, unchanged base first): chr1-94021893-G-GT. GRCh37 (hg19) VCF-style: chr1-94487449-G-GT.
Other names: c.4503dup, p.Leu1502fs (NM_001425324.1); short protein forms L1502fs, L1576fs.
Identifiers: ClinVar variation 5010128 (VCV005010128.1).